The following is an entry in ClinVar:

ClinVar aggregate classification (germline): Uncertain significance (1 of 4 stars; one submission).

Conditions:
Heterotopia, periventricular, X-linked dominant (PVNH1). Also called: PERIVENTRICULAR NODULAR HETEROTOPIA 1; X-linked periventricular heterotopia; PERIVENTRICULAR NODULAR HETEROTOPIA 4; HETEROTOPIA, PERIVENTRICULAR, 1. Identifiers: Orphanet 2149, Orphanet 82004, MedGen C1848213, MONDO:0010233, OMIM 300049.
Oto-palato-digital syndrome, type II (OPD2). Also called: FACIOPALATOOSSEOUS SYNDROME; OPD II SYNDROME; Otopalatodigital Syndrome Type 2 (FLNA-OPD2); Otopalatodigital Syndrome, Type II. Identifiers: Orphanet 669, Orphanet 90652, MedGen C1844696, MONDO:0010571, OMIM 304120.
Frontometaphyseal dysplasia (FMD1). Identifiers: Orphanet 1826, MedGen C0265293, MONDO:0015942.
Melnick-Needles syndrome (MNS). Also called: MELNICK-NEEDLES OSTEODYSPLASTY; OSTEODYSPLASTY OF MELNICK AND NEEDLES; Melnick-Needles Syndrome (FLNA-MNS). Identifiers: Orphanet 2484, MedGen C0025237, MONDO:0010650, OMIM 309350.

Submission:

Labcorp Genetics (formerly Invitae), Labcorp
Classification: Uncertain significance for Oto-palato-digital syndrome, type II; Heterotopia, periventricular, X-linked dominant; Frontometaphyseal dysplasia; Melnick-Needles syndrome. Last evaluated: 2022-07-19. Review status: criteria provided, single submitter. Criteria: Invitae Variant Classification Sherloc (09022015). Collection method: clinical testing. Allele origin: germline.
Comment: This missense change has been observed in individual(s) with periventricular heterotopia (PMID: 28411558). In summary, the available evidence is currently insufficient to determine the role of this variant in disease. Therefore, it has been classified as a Variant of Uncertain Significance. Advanced modeling of protein sequence and biophysical properties (such as structural, functional, and spatial information, amino acid conservation, physicochemical variation, residue mobility, and thermodynamic stability) performed at Invitae indicates that this missense variant is expected to disrupt FLNA protein function. ClinVar contains an entry for this variant (Variation ID: 464982). This variant is not present in population databases (gnomAD no frequency). This sequence change replaces phenylalanine, which is neutral and non-polar, with serine, which is neutral and polar, at codon 113 of the FLNA protein (p.Phe113Ser).

Literature cited by the submitters: PubMed 28411558.

NM_001110556.2(FLNA):c.338T>C (p.Phe113Ser)

Gene: FLNA (filamin A; minus strand). Cytogenetic location: Xq28.
Variant type: single nucleotide variant.
Coding change: c.338T>C on transcript NM_001110556.2 (MANE Select); coding-DNA position 338, T replaced by C.
Protein change: p.Phe113Ser; replaces phenylalanine 113 with serine.
Molecular consequence: missense variant.
Genome position (GRCh38, 1-based): chrX:154,370,908, A>G on the plus strand (T>C on the coding strand, the complement: FLNA is on the minus strand). VCF-style: chrX-154370908-A-G. GRCh37 (hg19) VCF-style: chrX-153599276-A-G.
Other names: c.338T>C, p.Phe113Ser (NM_001456.4); short protein forms F113S.
Identifiers: ClinVar variation 464982 (VCV000464982.10), dbSNP rs1557180178, ClinGen allele CA415254289.